The following is an entry in ClinVar:

NM_022072.5(NSUN3):c.269A>G (p.Lys90Arg)

Gene: NSUN3 (NOP2/Sun RNA methyltransferase 3; plus strand). Cytogenetic location: 3q11.2.
Variant type: single nucleotide variant.
Coding change: c.269A>G on transcript NM_022072.5 (MANE Select); coding-DNA position 269, A replaced by G.
Protein change: p.Lys90Arg; replaces lysine 90 with arginine.
Molecular consequence: missense variant.
Genome position (GRCh38, 1-based): chr3:94,084,253, A>G. VCF-style: chr3-94084253-A-G. GRCh37 (hg19) VCF-style: chr3-93803097-A-G.
Other names: short protein forms K90R.
Identifiers: ClinVar variation 1354114 (VCV001354114.6), dbSNP rs2107247182, ClinGen allele CA353704527.
Genomic context (GRCh38, chr3:94,084,253, plus strand): 5'-ATTTGAAGGGCTATCACACACTCTCTCAGGGATCTTTACCCAACTATCCTAAATCAGTGA[A>G]GTGTTACCTTAGCAGAACTCCGGGCCGAATCCCTTCAGAAAGACACCAAATTGGAAACCT-3'
Protein context (NP_071355.1, residues 80-100): GSLPNYPKSV[Lys90Arg]CYLSRTPGRI

ClinVar aggregate classification (germline): Uncertain significance (1 of 4 stars; one submission).

Submission:

Labcorp Genetics (formerly Invitae), Labcorp
Classification: Uncertain significance. Last evaluated: 2021-12-03. Review status: criteria provided, single submitter. Criteria: Invitae Variant Classification Sherloc (09022015). Collection method: clinical testing. Allele origin: germline.
Comment: This sequence change replaces lysine, which is basic and polar, with arginine, which is basic and polar, at codon 90 of the NSUN3 protein (p.Lys90Arg). This variant is not present in population databases (gnomAD no frequency). This variant has not been reported in the literature in individuals affected with NSUN3-related conditions. Algorithms developed to predict the effect of missense changes on protein structure and function (SIFT, PolyPhen-2, Align-GVGD) all suggest that this variant is likely to be tolerated. In summary, the available evidence is currently insufficient to determine the role of this variant in disease. Therefore, it has been classified as a Variant of Uncertain Significance.